The following is an entry in ClinVar:

NM_001024630.4(RUNX2):c.203delinsCG (p.Gln68fs)

Genes: RUNX2 (RUNX family transcription factor 2; plus strand), LOC109611589 (runt related transcription factor 2 polyalanine expansion region; plus strand). Cytogenetic location: 6p21.1.
Variant type: Indel.
Coding change: c.203delinsCG on transcript NM_001024630.4 (MANE Select); coding-DNA position 203, A replaced by CG.
Protein change: p.Gln68fs; shifts the reading frame from glutamine 68.
Molecular consequence: frameshift variant.
Genome position (GRCh38, 1-based): chr6:45,422,737, A replaced by CG. VCF-style: chr6-45422737-A-CG. GRCh37 (hg19) VCF-style: chr6-45390474-A-CG.
Other names: c.203delAinsCG (NM_001024630.4); c.203delinsCG, p.Gln68fs (NM_001015051.4); c.161delinsCG, p.Gln54fs (NM_001278478.2, NM_001369405.1); short protein forms Q54fs, Q68fs.
Identifiers: ClinVar variation 916702 (VCV000916702.7), dbSNP rs1798243790, ClinGen allele CA1139659560.

ClinVar aggregate classification (germline): Pathogenic. Review status: criteria provided, single submitter (1 of 4 stars). 2 submissions from 2 submitters: Pathogenic (1). 1 of the submissions does not count toward it. Last evaluated 2026-02-01.

Conditions:
Cleidocranial dysostosis (CLCD1). Also called: Marie-Sainton disease; cleidocranial dysplasia 1; Cleidocranial Dysplasia Spectrum Disorder. Identifiers: Orphanet 1452, MedGen C0008928, MONDO:0007340, OMIM 119600.

Submissions (2):

CeGaT Center for Human Genetics Tuebingen
Classification: Pathogenic. Last evaluated: 2026-02-01. Review status: criteria provided, single submitter. Criteria: CeGaT Center For Human Genetics Tuebingen Variant Classification Criteria Version 2. Collection method: clinical testing. Allele origin: germline. Affected: yes. Observed: 1 variant allele.
Comment: RUNX2: PVS1, PM2, PS4:Supporting

Istanbul Faculty of Medicine, Istanbul University
Classification: Likely pathogenic for Cleidocranial dysplasia. Last evaluated: 2020-05-23. Review status: no assertion criteria provided. Collection method: clinical testing. Allele origin: germline. Affected: yes. Observed: 2 variant alleles. Not counted in ClinVar's aggregate classification.
Comment: Segregates in family

Literature cited by the submitters: PubMed 33987976 (cited by Istanbul Faculty of Medicine, Istanbul University).